The following is an entry in ClinVar:

ClinVar aggregate classification (germline): Uncertain significance (1 of 4 stars; one submission).

Conditions:
Melanoma, cutaneous malignant, susceptibility to, 8. Also called: MELANOMA AND RENAL CELL CARCINOMA, SUSCEPTIBILITY TO; Cutaneous malignant melanoma 8. Identifiers: Orphanet 293822, MedGen C3152204, MONDO:0013759, OMIM 614456.
Tietz syndrome (TADS). Also called: TIETZ ALBINISM-DEAFNESS SYNDROME; ALBINISM-DEAFNESS OF TIETZ; HYPOPIGMENTATION/DEAFNESS OF TIETZ. Identifiers: Orphanet 42665, MedGen C0391816, MONDO:0007077, OMIM 103500.
Waardenburg syndrome type 2A (WS2A). Also called: WAARDENBURG SYNDROME WITHOUT DYSTOPIA CANTHORUM. Identifiers: Orphanet 3440, MedGen C1860339, MONDO:0008671, OMIM 193510.

gnomAD v4.1: 1 of 1,613,186 alleles (0.000062%); highest among the groups gnomAD compares: Non-Finnish European, 0.000085%; no homozygotes.

Submission:

Labcorp Genetics (formerly Invitae), Labcorp
Classification: Uncertain significance for Melanoma, cutaneous malignant, susceptibility to, 8; Waardenburg syndrome type 2A; Tietz syndrome. Last evaluated: 2025-06-23. Review status: criteria provided, single submitter. Criteria: Invitae Variant Classification Sherloc (09022015). Collection method: clinical testing. Allele origin: germline.
Comment: This sequence change replaces cysteine, which is neutral and slightly polar, with phenylalanine, which is neutral and non-polar, at codon 188 of the MITF protein (p.Cys188Phe). This variant is not present in population databases (gnomAD no frequency). This variant has not been reported in the literature in individuals affected with MITF-related conditions. An algorithm developed to predict the effect of missense changes on protein structure and function (PolyPhen-2) suggests that this variant is likely to be disruptive. In summary, the available evidence is currently insufficient to determine the role of this variant in disease. Therefore, it has been classified as a Variant of Uncertain Significance.

NM_001354604.2(MITF):c.884G>T (p.Cys295Phe)

Gene: MITF (melanocyte inducing transcription factor; plus strand). Cytogenetic location: 3p13.
Variant type: single nucleotide variant.
Coding change: c.884G>T on transcript NM_001354604.2 (MANE Select); coding-DNA position 884, G replaced by T.
Protein change: p.Cys295Phe; replaces cysteine 295 with phenylalanine.
Molecular consequence: missense variant. On other transcripts: intron variant (9).
Genome position (GRCh38, 1-based): chr3:69,951,815, G>T. VCF-style: chr3-69951815-G-T. GRCh37 (hg19) VCF-style: chr3-70000966-G-T.
Other names: c.563G>T, p.Cys188Phe (NM_000248.4); c.881G>T, p.Cys294Phe (NM_001354605.2); c.830-15G>T (NM_001354607.2); c.725-15G>T (NM_001354608.2, NM_001184967.2); c.881-15G>T (NM_198159.3); c.878-15G>T (NM_001354606.2, NM_006722.3); c.833-15G>T (NM_198177.3); c.560-15G>T (NM_198158.3); and 1 more; short protein forms C294F, C188F, C295F.
Identifiers: ClinVar variation 4785346 (VCV004785346.1).